The following is an entry in ClinVar:

NM_005142.3(CBLIF):c.1169delinsCACAGCCGCTTTCCACACAGACATCATAACAAAAAATTTCCACCAAACCCCCCCCTCCCC (p.Ser390delinsThrGlnProLeuSerThrGlnThrSerTer)

Gene: CBLIF (cobalamin binding intrinsic factor; minus strand). Cytogenetic location: 11q12.1.
Variant type: Indel.
Coding change: c.1169delinsCACAGCCGCTTTCCACACAGACATCATAACAAAAAATTTCCACCAAACCCCCCCCTCCCC on transcript NM_005142.3 (MANE Select); coding-DNA position 1169, the reference bases replaced by an inserted sequence.
Protein change: p.Ser390delinsThrGlnProLeuSerThrGlnThrSerTer.
Molecular consequence: nonsense.
Genome position (GRCh38, 1-based): chr11:59,831,701, one base replaced. GRCh37 (hg19), VCF-style position (the base before the change): chr11:59,599,174.
Identifiers: ClinVar variation 3721213 (VCV003721213.2).

ClinVar aggregate classification (germline): Uncertain significance (1 of 4 stars; one submission).

Conditions:
Hereditary intrinsic factor deficiency (IFD). Also called: Congenital intrinsic factor deficiency; PERNICIOUS ANEMIA, CONGENITAL, DUE TO DEFECT OF INTRINSIC FACTOR. Identifiers: Orphanet 332, MedGen C2062370, MONDO:0009852, OMIM 261000.

Submission:

Labcorp Genetics (formerly Invitae), Labcorp
Classification: Uncertain significance for Hereditary intrinsic factor deficiency. Last evaluated: 2024-10-30. Review status: criteria provided, single submitter. Criteria: Invitae Variant Classification Sherloc (09022015). Collection method: clinical testing. Allele origin: germline.
Comment: This sequence change creates a premature translational stop signal (p.Ser390Thrfs*10) in the GIF gene. While this is not anticipated to result in nonsense mediated decay, it is expected to disrupt the last 28 amino acid(s) of the GIF protein. This variant is not present in population databases (gnomAD no frequency). This variant has not been reported in the literature in individuals affected with GIF-related conditions. Experimental studies and prediction algorithms are not available or were not evaluated, and the functional significance of this variant is currently unknown. In summary, the available evidence is currently insufficient to determine the role of this variant in disease. Therefore, it has been classified as a Variant of Uncertain Significance.